The following is an entry in ClinVar:

NM_001276270.2(MBD4):c.1369A>G (p.Thr457Ala)

Gene: MBD4 (methyl-CpG binding domain 4, DNA glycosylase; minus strand). Cytogenetic location: 3q21.3.
Variant type: single nucleotide variant.
Coding change: c.1369A>G on transcript NM_001276270.2 (MANE Select); coding-DNA position 1369, A replaced by G.
Protein change: p.Thr457Ala; replaces threonine 457 with alanine.
Molecular consequence: missense variant.
Genome position (GRCh38, 1-based): chr3:129,433,874, T>C on the plus strand (A>G on the coding strand, the complement: MBD4 is on the minus strand). VCF-style: chr3-129433874-T-C. GRCh37 (hg19) VCF-style: chr3-129152717-T-C.
Other names: c.1387A>G, p.Thr463Ala (NM_001276271.2, NM_001276272.2, NM_003925.3); c.433A>G, p.Thr145Ala (NM_001276273.2); short protein forms T145A, T457A, T463A.
Identifiers: ClinVar variation 4772926 (VCV004772926.1).

ClinVar aggregate classification (germline): Uncertain significance (1 of 4 stars; one submission).

Submission:

Labcorp Genetics (formerly Invitae), Labcorp
Classification: Uncertain significance. Last evaluated: 2025-10-05. Review status: criteria provided, single submitter. Criteria: Invitae Variant Classification Sherloc (09022015). Collection method: clinical testing. Allele origin: germline.
Comment: This sequence change replaces threonine, which is neutral and polar, with alanine, which is neutral and non-polar, at codon 463 of the MBD4 protein (p.Thr463Ala). This variant is not present in population databases (gnomAD no frequency). This variant has not been reported in the literature in individuals affected with MBD4-related conditions. An algorithm developed to predict the effect of missense changes on protein structure and function (PolyPhen-2) suggests that this variant is likely to be disruptive. In summary, the available evidence is currently insufficient to determine the role of this variant in disease. Therefore, it has been classified as a Variant of Uncertain Significance.